The following is an entry in ClinVar:

ClinVar aggregate classification (germline): Pathogenic. Review status: criteria provided, multiple submitters, no conflicts (2 of 4 stars). 4 submissions from 3 submitters: Pathogenic (4). Last evaluated 2025-05-13.

Conditions:
Ectopia lentis et pupillae. Also called: ECTOPIA LENTIS WITH ECTOPIA OF PUPIL. Identifiers: Orphanet 1885, MedGen C1644196, MONDO:0009153, OMIM 225200.
Ectopia lentis 2, isolated, autosomal recessive (ECTOL2). Identifiers: Orphanet 1885, MedGen C3541474, MONDO:0009152, OMIM 225100.

Allele frequency attached by ClinVar (database versions not stated): gnomAD 0.00001; ExAC 0.00003; TOPMed 0.00003; gnomAD exomes 0.00005.

Submissions (4):

Labcorp Genetics (formerly Invitae), Labcorp
Classification: Pathogenic. Last evaluated: 2025-05-13. Review status: criteria provided, single submitter. Criteria: Invitae Variant Classification Sherloc (09022015). Collection method: clinical testing. Allele origin: germline.
Comment: This sequence change creates a premature translational stop signal (p.Arg141*) in the ADAMTSL4 gene. It is expected to result in an absent or disrupted protein product. Loss-of-function variants in ADAMTSL4 are known to be pathogenic (PMID: 20564469, 28642162). This variant is present in population databases (rs757318536, gnomAD 0.02%). This variant has not been reported in the literature in individuals affected with ADAMTSL4-related conditions. ClinVar contains an entry for this variant (Variation ID: 392464). For these reasons, this variant has been classified as Pathogenic.

Genome-Nilou Lab
Classification: Pathogenic for Ectopia lentis et pupillae. Last evaluated: 2023-04-11. Review status: criteria provided, single submitter. Criteria: ACMG Guidelines, 2015. Collection method: clinical testing. Allele origin: germline. Affected: no.

Genome-Nilou Lab
Classification: Pathogenic for Ectopia lentis 2, isolated, autosomal recessive. Last evaluated: 2023-04-11. Review status: criteria provided, single submitter. Criteria: ACMG Guidelines, 2015. Collection method: clinical testing. Allele origin: germline. Affected: no.

GeneDx
Classification: Pathogenic. Last evaluated: 2017-01-10. Review status: criteria provided, single submitter. Criteria: GeneDx Variant Classification (06012015). Collection method: clinical testing. Allele origin: germline. Affected: yes.
Comment: The R141X variant in the ADAMTSL4 gene has not been reported previously as a pathogenic variant nor as a benign variant, to our knowledge. This variant is predicted to cause loss of normal protein function either through protein truncation or nonsense-mediated mRNA decay. The R141X variant was not observed in approximately 6500 individuals of European and African American ancestry in the NHLBI Exome Sequencing Project, indicating it is not a common benign variant in these populations. We interpret R141X as a pathogenic variant.

Literature cited by the submitters: PubMed 20564469 (cited by Labcorp Genetics (formerly Invitae), Labcorp); PubMed 28642162 (cited by Labcorp Genetics (formerly Invitae), Labcorp).

NM_019032.6(ADAMTSL4):c.421C>T (p.Arg141Ter)

Genes: ADAMTSL4 (ADAMTS like 4; plus strand), ADAMTSL4-AS2 (ADAMTSL4 antisense RNA 2; minus strand). Cytogenetic location: 1q21.2.
Variant type: single nucleotide variant.
Coding change: c.421C>T on transcript NM_019032.6 (MANE Select); coding-DNA position 421, C replaced by T.
Protein change: p.Arg141Ter; replaces arginine 141 with a stop codon.
Molecular consequence: nonsense.
Genome position (GRCh38, 1-based): chr1:150,553,240, C>T. VCF-style: chr1-150553240-C-T. GRCh37 (hg19) VCF-style: chr1-150525716-C-T.
Other names: c.421C>T, p.Arg141Ter (NM_001378596.1, NM_025008.5, NM_001288607.2 and 1 more transcripts); short protein forms R141*.
Identifiers: ClinVar variation 392464 (VCV000392464.8), dbSNP rs757318536, ClinGen allele CA1077941.
Genomic context (GRCh38, chr1:150,553,240, plus strand): 5'-AGGGGTGGCCCACTTCGAGGTCCCGCTTCCCACCTAGGGAGAGAGGAGACCCAGGAGATT[C>T]GAGCGGCCAGGAGGTGAGAGGCCTGGGTGGAAGAGGTGGGCCTTGGGCAAGGTGGGGGCT-3'